The following is an entry in ClinVar:

ClinVar aggregate classification (germline): Uncertain significance (1 of 4 stars; one submission).

Conditions:
Fanconi anemia complementation group J. Also called: BRIP1-Related Fanconi Anemia. Identifiers: Orphanet 84, MedGen C1836860, MONDO:0012187, OMIM 609054.
Familial cancer of breast. Also called: hereditary breast carcinoma; BREAST CANCER, FAMILIAL; Hereditary breast cancer. Identifiers: Orphanet 227535, MedGen C0346153, MONDO:0016419, OMIM 114480. Disease mechanism: loss of function.

Submission:

Labcorp Genetics (formerly Invitae), Labcorp
Classification: Uncertain significance for Familial cancer of breast; Fanconi anemia complementation group J. Last evaluated: 2022-08-23. Review status: criteria provided, single submitter. Criteria: Invitae Variant Classification Sherloc (09022015). Collection method: clinical testing. Allele origin: germline.
Comment: This variant results in a copy number gain of the genomic region encompassing exon(s) 2 of the BRIP1 gene. This region includes the initiator codon of the gene. This copy number gain extends beyond the assayed region for this gene and therefore may encompass additional genes. As the precise location of this event is unknown, it may be in tandem or it may be located elsewhere in the genome. This variant has not been reported in the literature in individuals affected with BRIP1-related conditions. In summary, the available evidence is currently insufficient to determine the role of this variant in disease. Therefore, it has been classified as a Variant of Uncertain Significance.

NC_000017.11:g.(?_61861437)_(61861549_?)dup

Gene: BRIP1 (BRCA1 interacting DNA helicase 1; minus strand). Cytogenetic location: 17q23.2.
Variant type: Duplication.
Identifiers: ClinVar variation 831744 (VCV000831744.3).